The following is an entry in ClinVar:

NM_001142285.2(RPS24):c.625T>A (p.Cys209Ser)

Gene: RPS24 (ribosomal protein S24; plus strand). Cytogenetic location: 10q22.3.
Variant type: single nucleotide variant.
Coding change: c.625T>A on transcript NM_001142285.2; coding-DNA position 625, T replaced by A.
Protein change: p.Cys209Ser; replaces cysteine 209 with serine.
Molecular consequence: missense variant.
Genome position (GRCh38, 1-based): chr10:78,054,765, T>A. VCF-style: chr10-78054765-T-A. GRCh37 (hg19) VCF-style: chr10-79814523-T-A.
Other names: short protein forms C209S.
Identifiers: ClinVar variation 3360170 (VCV003360170.1).

ClinVar aggregate classification (germline): Uncertain significance (1 of 4 stars; one submission).

Submission:

GeneDx
Classification: Uncertain significance. Last evaluated: 2023-06-30. Review status: criteria provided, single submitter. Criteria: GeneDx Variant Classification Process June 2021. Collection method: clinical testing. Allele origin: germline. Affected: yes.
Comment: Not observed at significant frequency in large population cohorts (gnomAD); In silico analysis supports that this missense variant does not alter protein structure/function; Has not been previously published as pathogenic or benign to our knowledge